The following is an entry in ClinVar:

NM_000552.5(VWF):c.1839C>G (p.Cys613Trp)

Gene: VWF (von Willebrand factor; minus strand). Cytogenetic location: 12p13.31.
Variant type: single nucleotide variant.
Coding change: c.1839C>G on transcript NM_000552.5 (MANE Select); coding-DNA position 1839, C replaced by G.
Protein change: p.Cys613Trp; replaces cysteine 613 with tryptophan.
Molecular consequence: missense variant.
Genome position (GRCh38, 1-based): chr12:6,056,963, G>C on the plus strand (C>G on the coding strand, the complement: VWF is on the minus strand). VCF-style: chr12-6056963-G-C. GRCh37 (hg19) VCF-style: chr12-6166129-G-C.
Other names: short protein forms C613W.
Identifiers: ClinVar variation 1705723 (VCV001705723.1), dbSNP rs2497213479, ClinGen allele CA383497087.
Genomic context (GRCh38, chr12:6,056,963, plus strand): 5'-GCAGGCCGCGGCATAGCTGGCCAGGGCGCCGCACAGGCACTCGCGGCCGTCCGAGCAGGA[G>C]CACACGTCGTAGCGGCAGTTCCGCAGGTAGGGCAGCGGGCTGACGGCACGATGGCAGGCC-3'
Protein context (NP_000543.3, residues 603-623): PYLRNCRYDV[Cys613Trp]SCSDGRECLC

ClinVar aggregate classification (germline): Uncertain significance (1 of 4 stars; one submission).

Conditions:
von Willebrand disease type 3 (VWD3). Also called: Type 3 Von Willebrand's disease; Type 3 VWD; Von Willebrand disease, severe form; V WD3; VON WILLEBRAND DISEASE, TYPE III. Identifiers: Orphanet 166096, MedGen C1264041, MONDO:0010191, OMIM 277480.

Submission:

3billion
Classification: Uncertain significance for von Willebrand disease type 3. Last evaluated: 2022-09-01. Review status: criteria provided, single submitter. Criteria: ACMG Guidelines, 2015. Collection method: clinical testing. Allele origin: germline. Affected: yes. Observed: 1 homozygote.
Comment: The missense variant is not observed in the gnomAD v2.1.1 dataset. In silico tool predictions suggest damaging effect of the variant on gene or gene product (REVEL: 0.79; 3Cnet: NA). Therefore, this variant is classified as uncertain significance according to the recommendation of ACMG/AMP guideline.